The following is an entry in ClinVar:

ClinVar aggregate classification (germline): Likely pathogenic. Review status: criteria provided, multiple submitters, no conflicts (2 of 4 stars). 2 submissions from 2 submitters: Likely pathogenic (2). Last evaluated 2024-06-07.

Conditions:
Mucopolysaccharidosis, MPS-II (MPS2). Also called: Mucopolysaccharidosis type 2; Hunter Syndrome; IDURONATE 2-SULFATASE DEFICIENCY; Mucopolysaccharidosis Type II; IDS deficiency; Sulfoiduronate sulfatase deficiency. Identifiers: Orphanet 580, Orphanet 79388, MedGen C0026705, MONDO:0010674, OMIM 309900.

Submissions (2):

Laboratory of Diagnosis and Therapy of Lysosomal Disorders, University of Padova
Classification: Likely pathogenic for Mucopolysaccharidosis, MPS-II. Last evaluated: 2024-06-07. Review status: criteria provided, single submitter. Criteria: ACMG Guidelines, 2015. Collection method: literature only. Allele origin: germline. Affected: yes. Observed: 5 variant alleles.
Comment: Prevalence of the variant significantly increased in affected individuals compared with controls (PS4_Supporting), Absent from controls (or at low frequency) in gnomAD database (PM2_Moderate), Missense variant in a gene with a low rate of benign missense variation (PP2_Supporting), Multiple lines of computational evidence support a deleterious effect (PP3_Supporting), Patient’s phenotype or family history highly specific for the disease (PP4_Moderate)

Classification method: ACMG Guidelines [PMID:25741868] with modifications

Department of Medical Genetics, Sanjay Gandhi Post Graduate Institute of Medical Sciences
Classification: Likely pathogenic for Mucopolysaccharidosis, MPS-II. Review status: criteria provided, single submitter. Criteria: ACMG Guidelines, 2015. Collection method: clinical testing. Allele origin: germline. Inheritance: X-linked recessive inheritance. Affected: yes. Observed: 1 variant allele, 1 hemizygote.

Literature cited by the submitters: PubMed 35144014 (cited by Laboratory of Diagnosis and Therapy of Lysosomal Disorders, University of Padova); PubMed 33960103 (cited by Laboratory of Diagnosis and Therapy of Lysosomal Disorders, University of Padova); PubMed 27246110 (cited by Laboratory of Diagnosis and Therapy of Lysosomal Disorders, University of Padova); PubMed 36945845 (cited by Laboratory of Diagnosis and Therapy of Lysosomal Disorders, University of Padova).

NM_000202.8(IDS):c.1406C>T (p.Pro469Leu)

Gene: IDS (iduronate 2-sulfatase; minus strand). Cytogenetic location: Xq28.
Variant type: single nucleotide variant.
Coding change: c.1406C>T on transcript NM_000202.8 (MANE Select); coding-DNA position 1406, C replaced by T.
Protein change: p.Pro469Leu; replaces proline 469 with leucine.
Molecular consequence: missense variant.
Genome position (GRCh38, 1-based): chrX:149,482,993, G>A on the plus strand (C>T on the coding strand, the complement: IDS is on the minus strand). VCF-style: chrX-149482993-G-A. GRCh37 (hg19) VCF-style: chrX-148564524-G-A.
Other names: c.1136C>T, p.Pro379Leu (NM_001166550.4); short protein forms P379L, P469L.
Identifiers: ClinVar variation 997009 (VCV000997009.3), dbSNP rs2123994360, ClinGen allele CA414518164.